The following is an entry in ClinVar:

ClinVar aggregate classification (germline): Uncertain significance (1 of 4 stars; one submission).

Conditions:
PGM1-congenital disorder of glycosylation. Also called: PHOSPHOGLUCOMUTASE 1 DEFICIENCY; CDG It; PGM1 DEFICIENCY; GLYCOGEN STORAGE DISEASE XIV; GSD XIV; Congenital disorder of glycosylation type 1t. Identifiers: Orphanet 319646, MedGen C2752015, MONDO:0013968, OMIM 614921.

Allele frequency attached by ClinVar (database versions not stated): TOPMed below 0.00001; ExAC 0.00001; gnomAD 0.00001; gnomAD exomes 0.00002.
gnomAD v4.1: 48 of 1,613,712 alleles (0.003%); highest among the groups gnomAD compares: Non-Finnish European, 0.0039%; no homozygotes.

Submission:

Labcorp Genetics (formerly Invitae), Labcorp
Classification: Uncertain significance for PGM1-congenital disorder of glycosylation. Last evaluated: 2021-10-24. Review status: criteria provided, single submitter. Criteria: Invitae Variant Classification Sherloc (09022015). Collection method: clinical testing. Allele origin: germline.
Comment: This sequence change replaces glycine with valine at codon 456 of the PGM1 protein (p.Gly456Val). The glycine residue is highly conserved and there is a moderate physicochemical difference between glycine and valine. This variant is present in population databases (rs777570538, ExAC 0.002%). This variant has not been reported in the literature in individuals affected with PGM1-related conditions. Algorithms developed to predict the effect of missense changes on protein structure and function are either unavailable or do not agree on the potential impact of this missense change (SIFT: "Deleterious"; PolyPhen-2: "Probably Damaging"; Align-GVGD: "Class C15"). In summary, the available evidence is currently insufficient to determine the role of this variant in disease. Therefore, it has been classified as a Variant of Uncertain Significance.

NM_002633.3(PGM1):c.1367G>T (p.Gly456Val)

Gene: PGM1 (phosphoglucomutase 1; plus strand). Cytogenetic location: 1p31.3.
Variant type: single nucleotide variant.
Coding change: c.1367G>T on transcript NM_002633.3 (MANE Select); coding-DNA position 1367, G replaced by T.
Protein change: p.Gly456Val; replaces glycine 456 with valine.
Molecular consequence: missense variant.
Genome position (GRCh38, 1-based): chr1:63,651,755, G>T. VCF-style: chr1-63651755-G-T. GRCh37 (hg19) VCF-style: chr1-64117426-G-T.
Other names: c.1421G>T, p.Gly474Val (NM_001172818.1); c.776G>T, p.Gly259Val (NM_001172819.2); short protein forms G474V, G259V, G456V.
Identifiers: ClinVar variation 1525320 (VCV001525320.3), dbSNP rs777570538, ClinGen allele CA889817.